The following is an entry in ClinVar:

ClinVar aggregate classification (germline): Uncertain significance (1 of 4 stars; one submission).

Conditions:
Epileptic encephalopathy. Identifiers: MedGen C0543888, HP:0200134.

Allele frequency attached by ClinVar (database versions not stated): gnomAD exomes below 0.00001; ExAC 0.00001; TOPMed 0.00002; ESP Exome Variant Server 0.00008.

Submission:

Labcorp Genetics (formerly Invitae), Labcorp
Classification: Uncertain significance for Epileptic encephalopathy. Last evaluated: 2018-11-28. Review status: criteria provided, single submitter. Criteria: Invitae Variant Classification Sherloc (09022015). Collection method: clinical testing. Allele origin: germline.
Comment: This sequence change replaces proline with serine at codon 817 of the FASN protein (p.Pro817Ser). The proline residue is highly conserved and there is a moderate physicochemical difference between proline and serine. This variant is present in population databases (rs370847437, ExAC 0.002%). This variant has not been reported in the literature in individuals with FASN-related conditions. In summary, the available evidence is currently insufficient to determine the role of this variant in disease. Therefore, it has been classified as a Variant of Uncertain Significance. Algorithms developed to predict the effect of missense changes on protein structure and function are either unavailable or do not agree on the potential impact of this missense change (SIFT: "Deleterious"; PolyPhen-2: "Probably Damaging"; Align-GVGD: "Class C0").

NM_004104.5(FASN):c.2449C>T (p.Pro817Ser)

Gene: FASN (fatty acid synthase; minus strand). Cytogenetic location: 17q25.3.
Variant type: single nucleotide variant.
Coding change: c.2449C>T on transcript NM_004104.5 (MANE Select); coding-DNA position 2449, C replaced by T.
Protein change: p.Pro817Ser; replaces proline 817 with serine.
Molecular consequence: missense variant.
Genome position (GRCh38, 1-based): chr17:82,088,534, G>A on the plus strand (C>T on the coding strand, the complement: FASN is on the minus strand). VCF-style: chr17-82088534-G-A. GRCh37 (hg19) VCF-style: chr17-80046410-G-A.
Other names: short protein forms P817S.
Identifiers: ClinVar variation 658349 (VCV000658349.8), dbSNP rs370847437, ClinGen allele CA8852774.